The following is an entry in ClinVar:

ClinVar aggregate classification (germline): Pathogenic/Likely pathogenic. Review status: criteria provided, multiple submitters, no conflicts (2 of 4 stars). 4 submissions from 4 submitters: Pathogenic (3); Likely pathogenic (1). Last evaluated 2026-04-14.

Conditions:
Benign recurrent intrahepatic cholestasis type 2 (BRIC2). Also called: Recurrent familial intrahepatic cholestasis 2. Identifiers: Orphanet 65682, Orphanet 99961, MedGen C2608083, MONDO:0011559, OMIM 605479.
Progressive familial intrahepatic cholestasis type 2. Identifiers: Orphanet 79304, MedGen C3489789, MONDO:0011156, OMIM 601847.
Familial intrahepatic cholestasis. Identifiers: Orphanet 284385, MedGen CN296401, MONDO:0017290.

Allele frequency attached by ClinVar (database versions not stated): gnomAD exomes below 0.00001; TOPMed below 0.00001.

Submissions (4):

Genomenon, Inc
Classification: Pathogenic for Familial intrahepatic cholestasis. Last evaluated: 2026-04-14. Review status: criteria provided, single submitter. Criteria: Genomenon Sequence Variant Interpretation Standards - Updated. Collection method: curation. Allele origin: germline. Affected: yes.
Comment: ABCB11 p.Asp848MetfsTer10 (c.2542del) is a frameshift variant that results in the production of a truncated protein which is predicted to undergo nonsense-mediated mRNA decay. This variant has been observed in at least one proband with an ABCB11-related disorder (PMID:34016879). It is absent or not present at a significant frequency in gnomAD. In conclusion, we classify ABCB11 p.Asp848MetfsTer10 (c.2542del) as a pathogenic variant.

Broad Center for Mendelian Genomics, Broad Institute of MIT and Harvard
Classification: Likely pathogenic for Progressive familial intrahepatic cholestasis type 2. Last evaluated: 2025-01-24. Review status: criteria provided, single submitter. Criteria: ACMG Guidelines, 2015. Collection method: curation. Allele origin: germline. Inheritance: Autosomal recessive inheritance.
Comment: The p.Asp848fs variant in ABCB11 has been reported in 1 individual with BSEP deficiency (PMID: 34016879), and has been identified in 0.00008% (1/1179210) of European (non-Finnish) chromosomes by the Genome Aggregation Database (gnomAD; dbSNP (rs1692220779). Although this variant has been seen in the general population in a heterozygous state, its frequency is low enough to be consistent with a recessive carrier frequency. This variant has also been reported in ClinVar (Variation ID: 2678310) and has been interpreted as pathogenic by Invitae and Baylor Genetics. This variant is predicted to cause a frameshift, which alters the protein‚Äôs amino acid sequence beginning at position 848 and leads to a premature termination codon 10 amino acids downstream. This alteration is then predicted to lead to a truncated or absent protein. Loss of function of the ABCB11 gene is an established disease mechanism in autosomal recessive BSEP deficiency. In summary, although additional studies are required to fully establish its clinical significance, this variant is likely pathogenic for autosomal recessive BSEP deficiency. ACMG/AMP criteria applied: PVS1, PM2_supporting (Richards 2015).

Labcorp Genetics (formerly Invitae), Labcorp
Classification: Pathogenic. Last evaluated: 2024-03-19. Review status: criteria provided, single submitter. Criteria: Invitae Variant Classification Sherloc (09022015). Collection method: clinical testing. Allele origin: germline.
Comment: This sequence change creates a premature translational stop signal (p.Asp848Metfs*10) in the ABCB11 gene. It is expected to result in an absent or disrupted protein product. Loss-of-function variants in ABCB11 are known to be pathogenic (PMID: 18395098, 20232290). This variant is not present in population databases (gnomAD no frequency). This premature translational stop signal has been observed in individual(s) with ABCB11-related conditions (PMID: 34016879). For these reasons, this variant has been classified as Pathogenic.

Baylor Genetics
Classification: Pathogenic for Benign recurrent intrahepatic cholestasis type 2. Last evaluated: 2023-10-13. Review status: criteria provided, single submitter. Criteria: ACMG Guidelines, 2015. Collection method: clinical testing. Allele origin: unknown.

Literature cited by the submitters: PubMed 34016879 (cited by Genomenon, Inc and Labcorp Genetics (formerly Invitae), Labcorp); PubMed 18395098 (cited by Labcorp Genetics (formerly Invitae), Labcorp); PubMed 20232290 (cited by Labcorp Genetics (formerly Invitae), Labcorp).

NM_003742.4(ABCB11):c.2542del (p.Asp848fs)

Gene: ABCB11 (ATP binding cassette subfamily B member 11; minus strand). Cytogenetic location: 2q31.1.
Variant type: Deletion.
Coding change: c.2542del on transcript NM_003742.4 (MANE Select); coding-DNA position 2542, one base deleted (G; older notation c.2542delG).
Protein change: p.Asp848fs; shifts the reading frame from aspartic acid 848.
Molecular consequence: frameshift variant.
Genome position (GRCh38, 1-based): chr2:168,944,673, C deleted on the plus strand (G on the coding strand, the reverse complement: ABCB11 is on the minus strand). VCF-style (leftmost placement, unchanged base first): chr2-168944672-TC-T. GRCh37 (hg19) VCF-style: chr2-169801182-TC-T.
Other names: NM_003742.4(ABCB11):c.2542del; p.Asp848fs; short protein forms D848fs.
Identifiers: ClinVar variation 2678310 (VCV002678310.6), dbSNP rs1692220779, ClinGen allele CA1306213500.